The following is an entry in ClinVar:

NM_003221.4(TFAP2B):c.659G>A (p.Gly220Glu)

Gene: TFAP2B (transcription factor AP-2 beta; plus strand). Cytogenetic location: 6p12.3.
Variant type: single nucleotide variant.
Coding change: c.659G>A on transcript NM_003221.4 (MANE Select); coding-DNA position 659, G replaced by A.
Protein change: p.Gly220Glu; replaces glycine 220 with glutamic acid.
Molecular consequence: missense variant.
Genome position (GRCh38, 1-based): chr6:50,836,118, G>A. VCF-style: chr6-50836118-G-A. GRCh37 (hg19) VCF-style: chr6-50803831-G-A.
Other names: short protein forms G220E.
Identifiers: ClinVar variation 4985126 (VCV004985126.1).

ClinVar aggregate classification (germline): Uncertain significance (1 of 4 stars; one submission).

Conditions:
TFAP2B-related disorder. Also called: TFAP2B-related condition.

gnomAD v4.1: 3 of 1,614,002 alleles (0.00019%); highest among the groups gnomAD compares: Non-Finnish European, 0.00025%; no homozygotes.

Submission:

PreventionGenetics, part of Exact Sciences
Classification: Uncertain significance for TFAP2B-related condition. Last evaluated: 2025-07-29. Review status: criteria provided, single submitter. Criteria: ACMG Guidelines, 2015. Collection method: clinical testing. Allele origin: germline.
Comment: The TFAP2B c.659G>A variant is predicted to result in the amino acid substitution p.Gly220Glu. To our knowledge, this variant has not been reported in the literature. This variant is reported in 0.00088% of alleles in individuals of European (Non-Finnish) descent in gnomAD. At this time, the clinical significance of this variant is uncertain due to the absence of conclusive functional and genetic evidence.